The following is an entry in ClinVar:

ClinVar aggregate classification (germline): Uncertain significance (1 of 4 stars; one submission).

Submission:

GeneDx
Classification: Uncertain significance. Last evaluated: 2025-07-16. Review status: criteria provided, single submitter. Criteria: GeneDx Variant Classification Process June 2021. Collection method: clinical testing. Allele origin: germline. Affected: yes.
Comment: Not observed at significant frequency in large population cohorts (gnomAD); In silico analysis supports that this missense variant has a deleterious effect on protein structure/function; Has not been previously published as pathogenic or benign to our knowledge

NM_001366145.2(TRPM3):c.662G>C (p.Gly221Ala)

Gene: TRPM3 (transient receptor potential cation channel subfamily M member 3; minus strand). Cytogenetic location: 9q21.12.
Variant type: single nucleotide variant.
Coding change: c.662G>C on transcript NM_001366145.2 (MANE Select); coding-DNA position 662, G replaced by C.
Protein change: p.Gly221Ala; replaces glycine 221 with alanine.
Molecular consequence: missense variant.
Genome position (GRCh38, 1-based): chr9:70,846,392, C>G on the plus strand (G>C on the coding strand, the complement: TRPM3 is on the minus strand). VCF-style: chr9-70846392-C-G. GRCh37 (hg19) VCF-style: chr9-73461308-C-G.
Other names: c.203G>C, p.Gly68Ala (NM_001007470.3, NM_001366154.2, NM_020952.6 and 6 more transcripts); c.662G>C, p.Gly221Ala (NM_001007471.4, NM_001366146.2, NM_001366147.2 and 6 more transcripts); c.668G>C, p.Gly223Ala (NM_001366141.2, NM_001366142.2, NM_001366143.2 and 1 more transcripts); short protein forms G221A, G223A, G68A.
Identifiers: ClinVar variation 4686521 (VCV004686521.1).